The following is an entry in ClinVar:

ClinVar aggregate classification (germline): Uncertain significance (1 of 4 stars; one submission).

Submission:

Labcorp Genetics (formerly Invitae), Labcorp
Classification: Uncertain significance. Last evaluated: 2022-11-22. Review status: criteria provided, single submitter. Criteria: Invitae Variant Classification Sherloc (09022015). Collection method: clinical testing. Allele origin: germline.
Comment: In summary, the available evidence is currently insufficient to determine the role of this variant in disease. Therefore, it has been classified as a Variant of Uncertain Significance. Advanced modeling of protein sequence and biophysical properties (such as structural, functional, and spatial information, amino acid conservation, physicochemical variation, residue mobility, and thermodynamic stability) performed at Invitae indicates that this missense variant is not expected to disrupt KMT2B protein function. This variant has not been reported in the literature in individuals affected with KMT2B-related conditions. This variant is not present in population databases (gnomAD no frequency). This sequence change replaces proline, which is neutral and non-polar, with threonine, which is neutral and polar, at codon 149 of the KMT2B protein (p.Pro149Thr).

NM_014727.3(KMT2B):c.445C>A (p.Pro149Thr)

Gene: KMT2B (lysine methyltransferase 2B; plus strand). Cytogenetic location: 19q13.12.
Variant type: single nucleotide variant.
Coding change: c.445C>A on transcript NM_014727.3 (MANE Select); coding-DNA position 445, C replaced by A.
Protein change: p.Pro149Thr; replaces proline 149 with threonine.
Molecular consequence: missense variant.
Genome position (GRCh38, 1-based): chr19:35,719,792, C>A. VCF-style: chr19-35719792-C-A. GRCh37 (hg19) VCF-style: chr19-36210694-C-A.
Other names: short protein forms P149T.
Identifiers: ClinVar variation 2092982 (VCV002092982.4), dbSNP rs1270556414, ClinGen allele CA405378400.